The following is an entry in ClinVar:

ClinVar aggregate classification (germline): Uncertain significance (1 of 4 stars; one submission).

Submission:

Ambry Genetics
Classification: Uncertain significance. Last evaluated: 2023-12-10. Review status: criteria provided, single submitter. Criteria: Ambry Variant Classification Scheme 2023. Collection method: clinical testing. Allele origin: germline.
Comment: The p.S1152C variant (also known as c.3454A>T), located in coding exon 16 of the POLQ gene, results from an A to T substitution at nucleotide position 3454. The serine at codon 1152 is replaced by cysteine, an amino acid with dissimilar properties. This amino acid position is conserved. In addition, this alteration is predicted to be tolerated by in silico analysis. Since supporting evidence is limited at this time, the clinical significance of this alteration remains unclear.

NM_199420.4(POLQ):c.3454A>T (p.Ser1152Cys)

Gene: POLQ (DNA polymerase theta; minus strand). Cytogenetic location: 3q13.33.
Variant type: single nucleotide variant.
Coding change: c.3454A>T on transcript NM_199420.4 (MANE Select); coding-DNA position 3454, A replaced by T.
Protein change: p.Ser1152Cys; replaces serine 1152 with cysteine.
Molecular consequence: missense variant.
Genome position (GRCh38, 1-based): chr3:121,489,477, T>A on the plus strand (A>T on the coding strand, the complement: POLQ is on the minus strand). VCF-style: chr3-121489477-T-A. GRCh37 (hg19) VCF-style: chr3-121208324-T-A.
Other names: short protein forms S1152C.
Identifiers: ClinVar variation 3229937 (VCV003229937.1), dbSNP rs775536867, ClinGen allele CA354099954.